The following is an entry in ClinVar:

NM_001369268.1(ACAN):c.836G>A (p.Arg279Gln)

Gene: ACAN (aggrecan; plus strand). Cytogenetic location: 15q26.1.
Variant type: single nucleotide variant.
Coding change: c.836G>A on transcript NM_001369268.1 (MANE Select); coding-DNA position 836, G replaced by A.
Protein change: p.Arg279Gln; replaces arginine 279 with glutamine.
Molecular consequence: missense variant.
Genome position (GRCh38, 1-based): chr15:88,843,433, G>A. VCF-style: chr15-88843433-G-A. GRCh37 (hg19) VCF-style: chr15-89386664-G-A.
Other names: c.836G>A, p.Arg279Gln (NM_001135.4, NM_013227.4); short protein forms R279Q.
Identifiers: ClinVar variation 1367485 (VCV001367485.9), dbSNP rs184913582, ClinGen allele CA7719380.
Genomic context (GRCh38, chr15:88,843,433, plus strand): 5'-CATCTCCAGAGAAGTTCACCTTCCAGGAAGCAGCCAATGAGTGCCGGCGGCTGGGTGCCC[G>A]GCTGGCCACCACGGGCCAGCTCTACCTGGCCTGGCAGGCTGGCATGGACATGTGCAGCGC-3'
Protein context (NP_001356197.1, residues 269-289): AANECRRLGA[Arg279Gln]LATTGQLYLA

ClinVar aggregate classification (germline): Uncertain significance. Review status: criteria provided, multiple submitters, no conflicts (2 of 4 stars). 4 submissions from 4 submitters: Uncertain significance (3). 1 of the submissions does not count toward it. Last evaluated 2026-01-06.

Conditions:
Spondyloepimetaphyseal dysplasia, aggrecan type. Also called: SEMD, AGGRECAN TYPE. Identifiers: Orphanet 171866, MedGen C2748544, MONDO:0013014, OMIM 612813.
Short stature and advanced bone age, with or without early-onset osteoarthritis and/or osteochondritis dissecans (SSOAOD). Identifiers: Orphanet 251262, MedGen C3665488, MONDO:0100462, OMIM 165800.
Spondyloepiphyseal dysplasia, Kimberley type. Identifiers: Orphanet 93283, MedGen C1842149, MONDO:0012019, OMIM 608361.
Meniere disease. Also called: Ménière's disease. Identifiers: MedGen C0025281, MONDO:0007972, OMIM 156000.

Allele frequency attached by ClinVar (database versions not stated): 1000 Genomes Project 30x 0.00016; ExAC 0.00017; 1000 Genomes Project 0.00020; gnomAD exomes 0.00020 and 0.00047; gnomAD 0.00024 and 0.00026; TOPMed 0.00024.
gnomAD v4.1: 714 of 1,608,102 alleles (0.044%); highest among the groups gnomAD compares: Non-Finnish European, 0.057%; no homozygotes.

Submissions (4):

Labcorp Genetics (formerly Invitae), Labcorp
Classification: Uncertain significance. Last evaluated: 2026-01-06. Review status: criteria provided, single submitter. Criteria: Invitae Variant Classification Sherloc (09022015). Collection method: clinical testing. Allele origin: germline.
Comment: This sequence change replaces arginine, which is basic and polar, with glutamine, which is neutral and polar, at codon 279 of the ACAN protein (p.Arg279Gln). This variant is present in population databases (rs184913582, gnomAD 0.04%). This variant has not been reported in the literature in individuals affected with ACAN-related conditions. ClinVar contains an entry for this variant (Variation ID: 1367485). Invitae Evidence Modeling of protein sequence and biophysical properties (such as structural, functional, and spatial information, amino acid conservation, physicochemical variation, residue mobility, and thermodynamic stability) indicates that this missense variant is not expected to disrupt ACAN protein function with a negative predictive value of 80%. In summary, the available evidence is currently insufficient to determine the role of this variant in disease. Therefore, it has been classified as a Variant of Uncertain Significance.

Blueprint Genetics
Classification: Uncertain significance. Last evaluated: 2024-11-20. Review status: criteria provided, single submitter. Criteria: ACMG Guidelines, 2015. Collection method: clinical testing. Allele origin: germline.

Fulgent Genetics
Classification: Uncertain significance for Short stature and advanced bone age, with or without early-onset osteoarthritis and/or osteochondritis dissecans; Spondyloepiphyseal dysplasia, Kimberley type; Spondyloepimetaphyseal dysplasia, aggrecan type. Last evaluated: 2021-12-28. Review status: criteria provided, single submitter. Criteria: ACMG Guidelines, 2015. Collection method: clinical testing. Allele origin: unknown.

Center for Computational Biology & Bioinformatics, University of California, San Diego
Classification: Uncertain significance for Meniere disease. Last evaluated: 2024-06-03. Review status: no assertion criteria provided. Collection method: research. Allele origin: germline. Affected: yes. Not counted in ClinVar's aggregate classification.